The following is an entry in ClinVar:

ClinVar aggregate classification (germline): Pathogenic/Likely pathogenic. Review status: criteria provided, multiple submitters, no conflicts (2 of 4 stars). 7 submissions from 7 submitters: Pathogenic (1); Likely pathogenic (5). 1 of the submissions does not count toward it. Last evaluated 2025-09-10.

Conditions:
Pigmentary pallidal degeneration (NBIA1). Also called: HARP SYNDROME; Neurodegeneration with brain iron accumulation 1; PKAN NEUROAXONAL DYSTROPHY, JUVENILE-ONSET; Pantothenate Kinase-Associated Neurodegeneration; Neuroaxonal dystrophy, late infantile; Hallervorden-Spatz disease. Identifiers: Orphanet 157850, MedGen C0018523, MONDO:0009319, OMIM 234200.

Allele frequency attached by ClinVar (database versions not stated): TOPMed 0.00002.
gnomAD v4.1: 8 of 1,614,102 alleles (0.0005%); highest among the groups gnomAD compares: Admixed American, 0.0067%; no homozygotes.

Submissions (7):

OLLIN Analises Genomicas, OLLIN
Classification: Likely pathogenic for Pigmentary pallidal degeneration. Last evaluated: 2025-09-10. Review status: criteria provided, single submitter. Criteria: ACMG Guidelines 2015 PMID 25741868. Collection method: clinical testing. Allele origin: germline. Affected: yes. Observed: 1 variant allele.
Comment: The missense variant (chr20:3910665G>C), located in exon 3 (of 7), is reported in ClinVar (VCV000803594.16), in gnomAD v4.1 non-UKB with an allele frequency of 0.00095%, and in the scientific literature, also in homozygous and compound heterozygous states, in individuals with Hallervorden-Spatz disease (PMID: 15911822, 39609877). In silico analysis is inconclusive regarding the impact of this variant, and there is another reported pathogenic variant that alters this same residue, but to a different amino acid (PMID: 16149094, 16437574, 22221393, 28680084). According to the currently available evidence, this variant has been classified as likely pathogenic (PM2_P, PM3_S, PM5).

Laboratorio de Biologia Molecular/Medicina Genomica - IFF/Fiocruz, Instituto Fernandes Figueira, Fundacao Oswaldo Cruz
Classification: Likely pathogenic for Neurodegeneration with brain iron accumulation 1. Last evaluated: 2025-02-15. Review status: criteria provided, single submitter. Criteria: ACMG Guidelines, 2015. Collection method: clinical testing. Allele origin: germline. Affected: yes. Observed: 1 variant allele.
Comment: Variant: c.740G>C (p.Arg247Pro) in exon 3 of the PANK2 gene. Protein effect: Missense substitution within the nucleotide-binding domain, a well-established functional region where pathogenic variants are frequently reported. Population data: Absent or extremely rare in gnomAD. Clinical reports: Reported in multiple affected individuals with Pigmentary pallidal degeneration (PMID: 15911822). ClinVar: Reported as Pathogenic (Accession: VCV000803594.14). Residue evidence: Another missense change at the same residue has been reported as Pathogenic (Accession: VCV000374127.9; PMID: 15911822). Segregation/compound data: Internal analysis, without confirmation of paternity, identified this variant in trans with a pathogenic variant (Accession: VCV000803593.9). Also reported in compound heterozygosity and homozygosity in affected individuals (PMIDs: 15911822; 16437574; 22221393). ACMG/AMP criteria applied: PM1, PM5, PM2_Supporting, PM3, following ClinGen SVI recommendations.

Fulgent Genetics
Classification: Likely pathogenic for Pigmentary pallidal degeneration. Last evaluated: 2024-03-04. Review status: criteria provided, single submitter. Criteria: ACMG Guidelines, 2015. Collection method: clinical testing. Allele origin: germline.

Labcorp Genetics (formerly Invitae), Labcorp
Classification: Pathogenic for Pigmentary pallidal degeneration. Last evaluated: 2023-11-17. Review status: criteria provided, single submitter. Criteria: Invitae Variant Classification Sherloc (09022015). Collection method: clinical testing. Allele origin: germline.
Comment: This sequence change replaces arginine, which is basic and polar, with proline, which is neutral and non-polar, at codon 357 of the PANK2 protein (p.Arg357Pro). This variant is present in population databases (no rsID available, gnomAD 0.003%). This missense change has been observed in individuals with clinical features of neurodegeneration with brain iron accumulation (PMID: 15911822; Invitae). This variant is also known as c.G740C, p.R247P. ClinVar contains an entry for this variant (Variation ID: 803594). Advanced modeling of protein sequence and biophysical properties (such as structural, functional, and spatial information, amino acid conservation, physicochemical variation, residue mobility, and thermodynamic stability) has been performed at Invitae for this missense variant, however the output from this modeling did not meet the statistical confidence thresholds required to predict the impact of this variant on PANK2 protein function. This variant disrupts the p.Arg357 amino acid residue in PANK2. Other variant(s) that disrupt this residue have been determined to be pathogenic (PMID: 16437574, 22221393, 28680084). This suggests that this residue is clinically significant, and that variants that disrupt this residue are likely to be disease-causing. For these reasons, this variant has been classified as Pathogenic.

Women's Health and Genetics/Laboratory Corporation of America, LabCorp
Classification: Likely pathogenic for Pigmentary pallidal degeneration. Last evaluated: 2022-09-22. Review status: criteria provided, single submitter. Criteria: LabCorp Variant Classification Summary - May 2015. Collection method: clinical testing. Allele origin: germline.
Comment: Variant summary: PANK2 c.1070G>C (p.Arg357Pro) results in a non-conservative amino acid change in the encoded protein sequence. Three of five in-silico tools predict a damaging effect of the variant on protein function. The variant allele was found at a frequency of 8e-06 in 251366 control chromosomes. c.1070G>C has been reported in the literature in individuals affected with Pantothenate Kinase-Associated Neurodegeneration (Pelleccia_2005). These data indicate that the variant is likely to be associated with disease. Additionally, two other variants at the same codon have been reported in association with Pantothenate kinase-associated neurodegeneration in HGMD (R357Q, R357W), supporting pathogenicity. To our knowledge, no experimental evidence demonstrating an impact on protein function has been reported. Two clinical diagnostic laboratories have submitted clinical-significance assessments for this variant to ClinVar after 2014 without evidence for independent evaluation. One laboratory classified the variant as likely pathogenic, and one classified the variant as uncertain significance. Based on the evidence outlined above, the variant was classified as likely pathogenic.

Mendelics
Classification: Likely pathogenic for Pigmentary pallidal degeneration. Last evaluated: 2019-05-28. Review status: criteria provided, single submitter. Criteria: Mendelics Assertion Criteria 2017. Collection method: clinical testing. Allele origin: unknown.

Genetic Services Laboratory, University of Chicago
Classification: Likely pathogenic. Last evaluated: 2022-04-01. Review status: no assertion criteria provided. Collection method: clinical testing. Allele origin: germline. Affected: yes. Not counted in ClinVar's aggregate classification.
Comment: DNA sequence analysis of the PANK2 gene demonstrated a sequence change, c.1070G>C, in exon 3 that results in an amino acid change, p.Arg357Pro. The p.Arg357Pro change affects a poorly conserved amino acid residue located in a domain of the PANK2 protein that is known to be functional. The p.Arg357Pro substitution appears to be benign using several in-silico pathogenicity prediction tools (SIFT, PolyPhen2, Align GVGD, REVEL). This sequence change has previously been described in the literature in the compound heterozygous and homozygous states in individuals with classic PKAN phenotype including the eye of the tiger sign (PMID: 15911822). Additionally, different sequence changes affecting the same amino acid residue (p.Arg357Gln, p.Arg357Trp) have been described in individuals with CEP290-related disorders (PMID: 16437574, 22221393, 28680084). This sequence change has been described in the gnomAD database in two individuals which corresponds to a population frequency of 0.0008% (dbSNP rs754521581). Based on these evidences, this sequence change is classified as likely pathogenic, however functional studies have not been performed to prove this conclusively.

Literature cited by the submitters: PubMed 15911822 (cited by 4 submitters); PubMed 39609877 (cited by OLLIN Analises Genomicas, OLLIN); PubMed 16149094 (cited by OLLIN Analises Genomicas, OLLIN); PubMed 16437574 (cited by 3 submitters); PubMed 22221393 (cited by 3 submitters); PubMed 28680084 (cited by OLLIN Analises Genomicas, OLLIN and Labcorp Genetics (formerly Invitae), Labcorp).

NM_001386393.1(PANK2):c.740G>C (p.Arg247Pro)

Gene: PANK2 (pantothenate kinase 2; plus strand). Cytogenetic location: 20p13.
Variant type: single nucleotide variant.
Coding change: c.740G>C on transcript NM_001386393.1 (MANE Select); coding-DNA position 740, G replaced by C.
Protein change: p.Arg247Pro; replaces arginine 247 with proline.
Molecular consequence: missense variant. On other transcripts: 5 prime UTR variant (1), non-coding transcript variant (1).
Genome position (GRCh38, 1-based): chr20:3,910,665, G>C. VCF-style: chr20-3910665-G-C. GRCh37 (hg19) VCF-style: chr20-3891312-G-C.
Other names: c.197G>C, p.Arg66Pro (NM_001324191.2, NM_024960.6, NM_153640.4); c.-239G>C (NM_001324193.2); c.1070G>C, p.Arg357Pro (NM_153638.4); short protein forms R357P, R66P, R247P.
Identifiers: ClinVar variation 803594 (VCV000803594.17), dbSNP rs754521581, ClinGen allele CA311035065.